The following is an entry in ClinVar:

NM_015046.7(SETX):c.1016A>C (p.Lys339Thr)

Gene: SETX (senataxin; minus strand). Cytogenetic location: 9q34.13.
Variant type: single nucleotide variant.
Coding change: c.1016A>C on transcript NM_015046.7 (MANE Select); coding-DNA position 1016, A replaced by C.
Protein change: p.Lys339Thr; replaces lysine 339 with threonine.
Molecular consequence: missense variant.
Genome position (GRCh38, 1-based): chr9:132,331,134, T>G on the plus strand (A>C on the coding strand, the complement: SETX is on the minus strand). VCF-style: chr9-132331134-T-G. GRCh37 (hg19) VCF-style: chr9-135206521-T-G.
Other names: c.1016A>C, p.Lys339Thr (NM_001351527.2, NM_001351528.2); short protein forms K339T.
Identifiers: ClinVar variation 4992267 (VCV004992267.1).

ClinVar aggregate classification (germline): Uncertain significance (1 of 4 stars; one submission).

Conditions:
SETX-related disorder. Also called: SETX-related condition; SETX-related disorders. Identifiers: MedGen CN239403.

gnomAD v4.1: 1 of 1,613,336 alleles (0.000062%); highest among the groups gnomAD compares: South Asian, 0.0011%; no homozygotes.

Submission:

PreventionGenetics, part of Exact Sciences
Classification: Uncertain significance for SETX-related condition. Last evaluated: 2026-05-06. Review status: criteria provided, single submitter. Criteria: ACMG Guidelines, 2015. Collection method: clinical testing. Allele origin: germline.
Comment: The SETX c.1016A>C variant is predicted to result in the amino acid substitution p.Lys339Thr. To our knowledge, this variant has not been reported in the literature or in a large population database (gnomAD), indicating this variant is rare. At this time, the clinical significance of this variant is uncertain due to the absence of conclusive functional and genetic evidence.